The following is an entry in ClinVar:

NM_001003694.2(BRPF1):c.1743C>A (p.Asn581Lys)

Gene: BRPF1 (bromodomain and PHD finger containing 1; plus strand). Cytogenetic location: 3p25.3.
Variant type: single nucleotide variant.
Coding change: c.1743C>A on transcript NM_001003694.2 (MANE Select); coding-DNA position 1743, C replaced by A.
Protein change: p.Asn581Lys; replaces asparagine 581 with lysine.
Molecular consequence: missense variant. On other transcripts: non-coding transcript variant (1).
Genome position (GRCh38, 1-based): chr3:9,741,328, C>A. VCF-style: chr3-9741328-C-A. GRCh37 (hg19) VCF-style: chr3-9783012-C-A.
Other names: c.1743C>A, p.Asn581Lys (NM_001319049.2, NM_001319050.2, NM_004634.3); short protein forms N581K.
Identifiers: ClinVar variation 930594 (VCV000930594.4), dbSNP rs2077026060, ClinGen allele CA351690659.

ClinVar aggregate classification (germline): Uncertain significance. Review status: criteria provided, multiple submitters, no conflicts (2 of 4 stars). 2 submissions from 2 submitters: Uncertain significance (2). Last evaluated 2021-10-21.

Conditions:
Intellectual developmental disorder with dysmorphic facies and ptosis (IDDDFP). Identifiers: Orphanet 698090, MedGen C4310617, MONDO:0015022, OMIM 617333.

Submissions (2):

Department of Pathology and Laboratory Medicine, Sinai Health System
Classification: Uncertain significance for intellectual developmental disorder with dysmorphic facies and ptosis. Last evaluated: 2021-10-21. Review status: criteria provided, single submitter. Criteria: ACMG Guidelines, 2015. Collection method: research. Allele origin: germline.

Centre for Mendelian Genomics, University Medical Centre Ljubljana
Classification: Uncertain significance for Intellectual developmental disorder with dysmorphic facies and ptosis. Last evaluated: 2019-11-14. Review status: criteria provided, single submitter. Criteria: ACMG Guidelines, 2015. Collection method: clinical testing. Allele origin: unknown. Affected: yes.
Comment: This variant was classified as: Uncertain significance. The available evidence on this variant's pathogenicity is insufficient or conflicting. The following ACMG criteria were applied in classifying this variant: PM2,BP4.